The following is an entry in ClinVar:

ClinVar aggregate classification (germline): Uncertain significance (3 of 4 stars; one submission).

Conditions:
Monogenic diabetes. Identifiers: Orphanet 183625, MedGen C3888631, MONDO:0015967.

Submission:

ClinGen Monogenic Diabetes Variant Curation Expert Panel
Classification: Uncertain significance for Monogenic diabetes. Last evaluated: 2025-10-13. Review status: reviewed by expert panel. Criteria: ClinGen Diabetes ACMG Specifications HNF4A V4.0.0. Collection method: curation. Allele origin: germline. Inheritance: Autosomal dominant inheritance.
Comment: The c.-170A>C variant in the hepatocyte nuclear factor 4-alpha gene, HNF4A, is a single nucleotide variant within the promoter of NM_175914.5. This variant is located within the HNF1A/HNF1B binding region (c.-170 to c.-173 and c.-178 to c.-181) of the P2 promoter of HNF4A, which is defined as critical for the protein’s function by the ClinGen MDEP (PM1). This variant is absent from gnomAD v2.1.1 and v4.1.0 (PM2_Supporting). This variant segregated with diabetes with a single meiosis in one family; however, this does not meet the thresholds for PP1 set by the ClinGen MDEP (PMID: 27236918, internal lab contributors). In summary, c.-170A>C meets the criteria to be classified as a variant of uncertain significance for monogenic diabetes. ACMG/AMP criteria applied, as specified by the ClinGen MDEP VCEP (specification version 4.0.0, approved 10/10/2025): PM1, PM2_Supporting.

NC_000020.11:g.44355635A>C

Gene: HNF4A (hepatocyte nuclear factor 4 alpha; plus strand). Cytogenetic location: 20q13.12.
Variant type: single nucleotide variant.
Genome position: GRCh38 VCF-style: chr20-44355635-A-C. GRCh37 (hg19) VCF-style: chr20-42984275-A-C.
Identifiers: ClinVar variation 4526408 (VCV004526408.1).
Genomic context (GRCh38, chr20:44,355,635, plus strand): 5'-TGCCATGGAGACAGCAACAGTCCCCAGCCGCGGGTTCCCTAAGTGACTGGTTACTCTTTA[A>C]CGTATCCACCCACCTTGGGTGATTAGAAGAATCAATAAGATAACCGGGCGGTGGCAGCTG-3'